The following is an entry in ClinVar:

NM_016507.4(CDK12):c.620C>T (p.Pro207Leu)

Genes: CDK12 (cyclin dependent kinase 12; plus strand), LOC126862553 (CDK7 strongly-dependent group 2 enhancer GRCh37_chr17:37618166-37619365; plus strand). Cytogenetic location: 17q12.
Variant type: single nucleotide variant.
Coding change: c.620C>T on transcript NM_016507.4 (MANE Select); coding-DNA position 620, C replaced by T.
Protein change: p.Pro207Leu; replaces proline 207 with leucine.
Molecular consequence: missense variant.
Genome position (GRCh38, 1-based): chr17:39,462,691, C>T. VCF-style: chr17-39462691-C-T. GRCh37 (hg19) VCF-style: chr17-37618944-C-T.
Other names: c.620C>T, p.Pro207Leu (NM_015083.4); short protein forms P207L.
Identifiers: ClinVar variation 3830407 (VCV003830407.1).

ClinVar aggregate classification (germline): Uncertain significance (1 of 4 stars; one submission).

gnomAD v4.1: 1 of 1,614,080 alleles (0.000062%); no homozygotes.

Submission:

Ambry Genetics
Classification: Uncertain significance. Last evaluated: 2024-12-23. Review status: criteria provided, single submitter. Criteria: Ambry Variant Classification Scheme 2023. Collection method: clinical testing. Allele origin: germline.
Comment: The p.P207L variant (also known as c.620C>T), located in coding exon 1 of the CDK12 gene, results from a C to T substitution at nucleotide position 620. The proline at codon 207 is replaced by leucine, an amino acid with similar properties. This amino acid position is conserved. In addition, this alteration is predicted to be tolerated by in silico analysis. Based on the available evidence, the clinical significance of this variant remains unclear.